The following is an entry in ClinVar:

ClinVar aggregate classification (germline): Uncertain significance (1 of 4 stars; one submission).

Conditions:
Joubert syndrome 20 (JBTS20). Identifiers: Orphanet 475, MedGen C3554235, MONDO:0013994, OMIM 614970.
Meckel syndrome, type 11 (MKS11). Identifiers: Orphanet 564, MedGen C3809352, MONDO:0014164, OMIM 615397.

Allele frequency attached by ClinVar (database versions not stated): gnomAD exomes below 0.00001; ExAC 0.00001.
gnomAD v4.1: 1 of 1,604,690 alleles (0.000062%); highest among the groups gnomAD compares: Non-Finnish European, 0.000085%; no homozygotes.

Submission:

Labcorp Genetics (formerly Invitae), Labcorp
Classification: Uncertain significance for Joubert syndrome 20; Meckel syndrome, type 11. Last evaluated: 2023-07-19. Review status: criteria provided, single submitter. Criteria: Invitae Variant Classification Sherloc (09022015). Collection method: clinical testing. Allele origin: germline.
Comment: In summary, the available evidence is currently insufficient to determine the role of this variant in disease. Therefore, it has been classified as a Variant of Uncertain Significance. Experimental studies and prediction algorithms are not available or were not evaluated, and the functional significance of this variant is currently unknown. This variant has not been reported in the literature in individuals affected with TMEM231-related conditions. This variant is present in population databases (rs753468407, gnomAD 0.0009%). This sequence change replaces proline, which is neutral and non-polar, with alanine, which is neutral and non-polar, at codon 219 of the TMEM231 protein (p.Pro219Ala).

NM_001077418.3(TMEM231):c.496C>G (p.Pro166Ala)

Gene: TMEM231 (transmembrane protein 231; minus strand). Cytogenetic location: 16q23.1.
Variant type: single nucleotide variant.
Coding change: c.496C>G on transcript NM_001077418.3 (MANE Select); coding-DNA position 496, C replaced by G.
Protein change: p.Pro166Ala; replaces proline 166 with alanine.
Molecular consequence: missense variant. On other transcripts: non-coding transcript variant (1).
Genome position (GRCh38, 1-based): chr16:75,545,438, G>C on the plus strand (C>G on the coding strand, the complement: TMEM231 is on the minus strand). VCF-style: chr16-75545438-G-C. GRCh37 (hg19) VCF-style: chr16-75579336-G-C.
Other names: c.655C>G, p.Pro219Ala (NM_001077416.2); short protein forms P219A, P166A.
Identifiers: ClinVar variation 2940065 (VCV002940065.3), dbSNP rs753468407, ClinGen allele CA8176172.